The following is an entry in ClinVar:

NM_032043.3(BRIP1):c.2258-1G>T

Gene: BRIP1 (BRCA1 interacting DNA helicase 1; minus strand). Cytogenetic location: 17q23.2.
Variant type: single nucleotide variant.
Coding change: c.2258-1G>T on transcript NM_032043.3 (MANE Select); the canonical splice acceptor site of the intron before coding-DNA position 2258, G replaced by T.
Molecular consequence: splice acceptor variant.
Genome position (GRCh38, 1-based): chr17:61,743,135, C>A on the plus strand (G>T on the coding strand, the complement: BRIP1 is on the minus strand). VCF-style: chr17-61743135-C-A. GRCh37 (hg19) VCF-style: chr17-59820496-C-A.
Other names: c.2258-1G>T (NM_032043.2).
Identifiers: ClinVar variation 1522049 (VCV001522049.14), dbSNP rs1064793887, ClinGen allele CA400482769.

ClinVar aggregate classification (germline): Pathogenic/Likely pathogenic. Review status: criteria provided, multiple submitters, no conflicts (2 of 4 stars). 4 submissions from 4 submitters: Pathogenic (1); Likely pathogenic (3). Last evaluated 2025-09-30.

Conditions:
Hereditary cancer-predisposing syndrome. Also called: Tumor predisposition; Hereditary neoplastic syndrome; Neoplastic Syndromes, Hereditary; Hereditary Cancer Syndrome. Identifiers: Orphanet 140162, MedGen C0027672, MeSH D009386, MONDO:0015356.
Fanconi anemia complementation group J. Also called: BRIP1-Related Fanconi Anemia. Identifiers: Orphanet 84, MedGen C1836860, MONDO:0012187, OMIM 609054.
Familial cancer of breast. Also called: Hereditary breast cancer; BREAST CANCER, FAMILIAL; hereditary breast carcinoma. Identifiers: Orphanet 227535, MedGen C0346153, MONDO:0016419, OMIM 114480. Disease mechanism: loss of function.

Submissions (4):

Ambry Genetics
Classification: Likely pathogenic for Hereditary cancer-predisposing syndrome. Last evaluated: 2025-09-30. Review status: criteria provided, single submitter. Criteria: Ambry Variant Classification Scheme 2023. Collection method: clinical testing. Allele origin: germline.
Comment: The c.2258-1G>T intronic variant results from a G to T substitution one nucleotide upstream from coding exon 15 of the BRIP1 gene. This variant is considered to be rare based on population cohorts in the Genome Aggregation Database (gnomAD). This nucleotide position is highly conserved in available vertebrate species. In silico splice site analysis predicts that this alteration will weaken the native splice acceptor site. Alterations that disrupt the canonical splice site are expected to cause aberrant splicing, resulting in an abnormal protein or a transcript that is subject to nonsense-mediated mRNA decay. As such, this alteration is classified as likely pathogenic.

Center for Genomic Medicine, Rigshospitalet, Copenhagen University Hospital
Classification: Likely pathogenic. Last evaluated: 2025-03-04. Review status: criteria provided, single submitter. Criteria: ACMG Guidelines, 2015. Collection method: clinical testing. Allele origin: germline.

Labcorp Genetics (formerly Invitae), Labcorp
Classification: Pathogenic for Familial cancer of breast; Fanconi anemia complementation group J. Last evaluated: 2023-10-03. Review status: criteria provided, single submitter. Criteria: Invitae Variant Classification Sherloc (09022015). Collection method: clinical testing. Allele origin: germline.
Comment: This sequence change affects an acceptor splice site in intron 15 of the BRIP1 gene. RNA analysis indicates that disruption of this splice site induces altered splicing and may result in an absent or disrupted protein product. This variant is not present in population databases (gnomAD no frequency). Disruption of this splice site has been observed in individual(s) with breast and ovarian cancer (PMID: 30322717, 32885271). ClinVar contains an entry for this variant (Variation ID: 1522049). Studies have shown that disruption of this splice site results in skipping of exon 16 and introduces a premature termination codon (Invitae). The resulting mRNA is expected to undergo nonsense-mediated decay. For these reasons, this variant has been classified as Pathogenic.

Myriad Genetics, Inc.
Classification: Likely pathogenic for Familial cancer of breast. Last evaluated: 2023-06-06. Review status: criteria provided, single submitter. Criteria: Myriad Autosomal Dominant, Autosomal Recessive and X-Linked Classification Criteria (2023). Collection method: clinical testing. Allele origin: unknown.
Comment: This variant is considered likely pathogenic. This variant occurs within a consensus splice junction and is predicted to result in abnormal mRNA splicing of either an out-of-frame exon or an in-frame exon necessary for protein stability and/or normal function.

Literature cited by the submitters: PubMed 30322717 (cited by Center for Genomic Medicine, Rigshospitalet, Copenhagen University Hospital and Labcorp Genetics (formerly Invitae), Labcorp); PubMed 32885271 (cited by Center for Genomic Medicine, Rigshospitalet, Copenhagen University Hospital and Labcorp Genetics (formerly Invitae), Labcorp).